The following is an entry in ClinVar:

ClinVar aggregate classification (germline): Conflicting classifications of pathogenicity. Review status: criteria provided, conflicting classifications (1 of 4 stars). 3 submissions from 3 submitters: Uncertain significance (2); Likely benign (1). Last evaluated 2025-08-09.

Conditions:
Hereditary cancer-predisposing syndrome. Also called: Tumor predisposition; Hereditary Cancer Syndrome; Hereditary neoplastic syndrome; Neoplastic Syndromes, Hereditary. Identifiers: Orphanet 140162, MedGen C0027672, MeSH D009386, MONDO:0015356.
Hereditary breast ovarian cancer syndrome. Also called: Hereditary breast and ovarian cancer; BRCA1- and BRCA2-Associated Hereditary Breast and Ovarian Cancer; Hereditary breast and ovarian cancer syndrome; Hereditary breast and ovarian cancer syndrome (HBOC); Breast and ovarian cancer; Hereditary breast and/or ovarian cancer syndrome. Identifiers: Orphanet 145, MedGen C0677776, MeSH D061325, MONDO:0003582. Disease mechanism: loss of function.

gnomAD v4.1: 1 of 1,613,988 alleles (0.000062%); no homozygotes.

Submissions (3):

Ambry Genetics
Classification: Uncertain significance for Hereditary cancer-predisposing syndrome. Last evaluated: 2025-08-09. Review status: criteria provided, single submitter. Criteria: Ambry Variant Classification Scheme 2023. Collection method: clinical testing. Allele origin: germline.
Comment: The p.Q975K variant (also known as c.2923C>A), located in coding exon 9 of the BRCA1 gene, results from a C to A substitution at nucleotide position 2923. The glutamine at codon 975 is replaced by lysine, an amino acid with similar properties. This amino acid position is conserved. In addition, the in silico prediction for this alteration is inconclusive. Based on the available evidence, the clinical significance of this variant remains unclear.

Labcorp Genetics (formerly Invitae), Labcorp
Classification: Uncertain significance for Hereditary breast ovarian cancer syndrome. Last evaluated: 2025-02-05. Review status: criteria provided, single submitter. Criteria: Invitae Variant Classification Sherloc (09022015). Collection method: clinical testing. Allele origin: germline.
Comment: This sequence change replaces glutamine, which is neutral and polar, with lysine, which is basic and polar, at codon 975 of the BRCA1 protein (p.Gln975Lys). This variant is not present in population databases (gnomAD no frequency). This variant has not been reported in the literature in individuals affected with BRCA1-related conditions. ClinVar contains an entry for this variant (Variation ID: 1478400). Invitae Evidence Modeling of protein sequence and biophysical properties (such as structural, functional, and spatial information, amino acid conservation, physicochemical variation, residue mobility, and thermodynamic stability) indicates that this missense variant is not expected to disrupt BRCA1 protein function with a negative predictive value of 80%. In summary, the available evidence is currently insufficient to determine the role of this variant in disease. Therefore, it has been classified as a Variant of Uncertain Significance.

University of Washington Department of Laboratory Medicine, University of Washington
Classification: Likely benign for Hereditary cancer-predisposing syndrome. Last evaluated: 2023-03-23. Review status: criteria provided, single submitter. Criteria: Dines et al. (Genet Med. 2020). Collection method: curation. Allele origin: germline.
Comment: Missense variant in a coldspot region where missense variants are very unlikely to be pathogenic (PMID:31911673).

BRCA1 coldspot (exon 11 using historical exon numbering). Reclassification based on statistical prior probability

NM_007294.4(BRCA1):c.2923C>A (p.Gln975Lys)

Gene: BRCA1 (BRCA1 DNA repair associated; minus strand). Cytogenetic location: 17q21.31.
Variant type: single nucleotide variant.
Coding change: c.2923C>A on transcript NM_007294.4 (MANE Select); coding-DNA position 2923, C replaced by A.
Protein change: p.Gln975Lys; replaces glutamine 975 with lysine.
Molecular consequence: missense variant. On other transcripts: intron variant (137).
Genome position (GRCh38, 1-based): chr17:43,092,608, G>T on the plus strand (C>A on the coding strand, the complement: BRCA1 is on the minus strand). VCF-style: chr17-43092608-G-T. GRCh37 (hg19) VCF-style: chr17-41244625-G-T.
Other names: c.2710C>A, p.Gln904Lys (NM_001407571.1, NM_001407853.1, NM_001407894.1 and 9 more transcripts); c.2923C>A, p.Gln975Lys (NM_001407581.1, NM_001407582.1, NM_001407583.1 and 30 more transcripts); c.2920C>A, p.Gln974Lys (NM_001407587.1, NM_001407590.1, NM_001407591.1 and 22 more transcripts); c.2914C>A, p.Gln972Lys (NM_001407646.1, NM_001407647.1); c.2800C>A, p.Gln934Lys (NM_001407648.1, NM_001407664.1, NM_001407665.1 and 19 more transcripts); c.2797C>A, p.Gln933Lys (NM_001407649.1, NM_001407670.1, NM_001407671.1 and 11 more transcripts); c.2845C>A, p.Gln949Lys (NM_001407653.1, NM_001407654.1, NM_001407655.1 and 4 more transcripts); c.2842C>A, p.Gln948Lys (NM_001407659.1, NM_001407660.1, NM_001407661.1 and 1 more transcripts); and 41 more; short protein forms Q928K, Q975K, Q807K, Q887K, Q907K, Q908K, Q933K, Q948K.
Identifiers: ClinVar variation 1478400 (VCV001478400.10), dbSNP rs80357497, ClinGen allele CA10596151.
Genomic context (GRCh38, chr17:43,092,608, plus strand): 5'-TACATTTAGTTTTAACAAATGACTTGATGGGAAAAAGTGGTGGTATACGATATGGGTTTT[G>T]TAAAAGTCCATGTTTATTTGGAGTAATGAGTCCAGTTTCGTTGCCTCTGAACTGAGATGA-3'
Protein context (NP_009225.1, residues 965-985): LITPNKHGLL[Gln975Lys]NPYRIPPLFP